The following is an entry in ClinVar:

ClinVar aggregate classification (germline): Uncertain significance (1 of 4 stars; one submission).

Allele frequency attached by ClinVar (database versions not stated): gnomAD exomes below 0.00001; TOPMed below 0.00001; gnomAD 0.00001.
gnomAD v4.1: 4 of 1,610,062 alleles (0.00025%); highest among the groups gnomAD compares: Non-Finnish European, 0.00034%; no homozygotes.

Submission:

Labcorp Genetics (formerly Invitae), Labcorp
Classification: Uncertain significance. Last evaluated: 2025-11-01. Review status: criteria provided, single submitter. Criteria: Invitae Variant Classification Sherloc (09022015). Collection method: clinical testing. Allele origin: germline.
Comment: This sequence change replaces alanine, which is neutral and non-polar, with glycine, which is neutral and non-polar, at codon 269 of the TFRC protein (p.Ala269Gly). This variant is present in population databases (no rsID available, gnomAD 0.007%). This variant has not been reported in the literature in individuals affected with TFRC-related conditions. ClinVar contains an entry for this variant (Variation ID: 1484572). Invitae Evidence Modeling of protein sequence and biophysical properties (such as structural, functional, and spatial information, amino acid conservation, physicochemical variation, residue mobility, and thermodynamic stability) indicates that this missense variant is expected to disrupt TFRC protein function with a positive predictive value of 80%. In summary, the available evidence is currently insufficient to determine the role of this variant in disease. Therefore, it has been classified as a Variant of Uncertain Significance.

NM_001128148.3(TFRC):c.806C>G (p.Ala269Gly)

Gene: TFRC (transferrin receptor; minus strand). Cytogenetic location: 3q29.
Variant type: single nucleotide variant.
Coding change: c.806C>G on transcript NM_001128148.3 (MANE Select); coding-DNA position 806, C replaced by G.
Protein change: p.Ala269Gly; replaces alanine 269 with glycine.
Molecular consequence: missense variant. On other transcripts: 5 prime UTR variant (1).
Genome position (GRCh38, 1-based): chr3:196,068,126, G>C on the plus strand (C>G on the coding strand, the complement: TFRC is on the minus strand). VCF-style: chr3-196068126-G-C. GRCh37 (hg19) VCF-style: chr3-195794997-G-C.
Other names: c.563C>G, p.Ala188Gly (NM_001313965.2); c.-41C>G (NM_001313966.2); c.806C>G, p.Ala269Gly (NM_003234.4); short protein forms A269G, A188G.
Identifiers: ClinVar variation 1484572 (VCV001484572.6), dbSNP rs1382918763, ClinGen allele CA355574273.